The following is an entry in ClinVar:

ClinVar aggregate classification (germline): Uncertain significance (1 of 4 stars; one submission).

Submission:

GeneDx
Classification: Uncertain significance. Last evaluated: 2024-06-11. Review status: criteria provided, single submitter. Criteria: GeneDx Variant Classification Process June 2021. Collection method: clinical testing. Allele origin: germline.
Comment: Not observed at significant frequency in large population cohorts (gnomAD); In silico analysis supports that this missense variant has a deleterious effect on protein structure/function; Has not been previously published as pathogenic or benign to our knowledge; This variant is associated with the following publications: (PMID: 18184292)

NM_000702.4(ATP1A2):c.1279A>C (p.Asn427His)

Gene: ATP1A2 (ATPase Na+/K+ transporting subunit alpha 2; plus strand). Cytogenetic location: 1q23.2.
Variant type: single nucleotide variant.
Coding change: c.1279A>C on transcript NM_000702.4 (MANE Select); coding-DNA position 1279, A replaced by C.
Protein change: p.Asn427His; replaces asparagine 427 with histidine.
Molecular consequence: missense variant.
Genome position (GRCh38, 1-based): chr1:160,129,042, A>C. VCF-style: chr1-160129042-A-C. GRCh37 (hg19) VCF-style: chr1-160098832-A-C.
Other names: short protein forms N427H.
Identifiers: ClinVar variation 2662926 (VCV002662926.2), dbSNP rs2524869039, ClinGen allele CA343241379.